The following is an entry in ClinVar:

ClinVar aggregate classification (germline): Likely benign. Review status: criteria provided, multiple submitters, no conflicts (2 of 4 stars). 2 submissions from 2 submitters: Likely benign (2). Last evaluated 2025-06-22.

Conditions:
Malignant hyperthermia, susceptibility to, 5 (MHS5). Also called: CACNA1S-Related Malignant Hyperthermia Susceptibility. Identifiers: Orphanet 423, MedGen C1866077, MONDO:0011163, OMIM 601887.
Hypokalemic periodic paralysis, type 1. Also called: Hypokalemic Periodic Paralysis Type 1 (AD); HypoPP. Identifiers: Orphanet 681, MedGen C3714580, MONDO:0042979, OMIM 170400.

Allele frequency attached by ClinVar (database versions not stated): gnomAD exomes below 0.00001; ExAC 0.00001; gnomAD 0.00001; 1000 Genomes Project 30x 0.00016; 1000 Genomes Project 0.00020.
gnomAD v4.1: 2 of 1,614,192 alleles (0.00012%); highest among the groups gnomAD compares: South Asian, 0.0022%; no homozygotes.

Submissions (2):

Labcorp Genetics (formerly Invitae), Labcorp
Classification: Likely benign for Hypokalemic periodic paralysis, type 1; Malignant hyperthermia, susceptibility to, 5. Last evaluated: 2025-06-22. Review status: criteria provided, single submitter. Criteria: Invitae Variant Classification Sherloc (09022015). Collection method: clinical testing. Allele origin: germline.

All of Us Research Program, National Institutes of Health
Classification: Likely benign for Malignant hyperthermia, susceptibility to, 5. Last evaluated: 2022-11-30. Review status: criteria provided, single submitter. Criteria: ACMG Guidelines, 2015. Collection method: clinical testing. Allele origin: germline. Inheritance: Autosomal dominant inheritance. Observed: 1 variant allele, 1 heterozygote.
Comment: This study involves interpretation of variants in research participants for the purpose of population health screening. Participant phenotype was not available at the time of variant classification. Additional details can be found in publication PMID: 35346344, PMCID: PMC8962531

NM_000069.3(CACNA1S):c.1659C>T (p.Leu553=)

Gene: CACNA1S (calcium voltage-gated channel subunit alpha1 S; minus strand). Cytogenetic location: 1q32.1.
Variant type: single nucleotide variant.
Coding change: c.1659C>T on transcript NM_000069.3 (MANE Select); coding-DNA position 1659, C replaced by T.
Protein change: p.Leu553=; no amino-acid change (leucine 553 retained).
Molecular consequence: synonymous variant.
Genome position (GRCh38, 1-based): chr1:201,077,088, G>A on the plus strand (C>T on the coding strand, the complement: CACNA1S is on the minus strand). VCF-style: chr1-201077088-G-A. GRCh37 (hg19) VCF-style: chr1-201046216-G-A.
Identifiers: ClinVar variation 3069346 (VCV003069346.2), dbSNP rs572571549, ClinGen allele CA078506.